The following is an entry in ClinVar:

ClinVar aggregate classification (germline): Conflicting classifications of pathogenicity. Review status: criteria provided, conflicting classifications (1 of 4 stars). 7 submissions from 7 submitters: Uncertain significance (4); Likely benign (2). 1 of the submissions does not count toward it. Last evaluated 2025-09-10.

Conditions:
Charcot-Marie-Tooth disease axonal type 2V. Also called: CHARCOT-MARIE-TOOTH NEUROPATHY, TYPE 2V; CHARCOT-MARIE-TOOTH DISEASE, AXONAL, AUTOSOMAL DOMINANT, TYPE 2V. Identifiers: Orphanet 447964, MedGen C5569050, MONDO:0014665, OMIM 616491.
Mucopolysaccharidosis, MPS-III-B (MPS3B). Also called: N-ACETYL-ALPHA-D-GLUCOSAMINIDASE DEFICIENCY; NAGLU DEFICIENCY; SANFILIPPO SYNDROME B; MPS III B; MUCOPOLYSACCHARIDOSIS, TYPE IIIB; MPS IIIB (Sanfilippo Syndrome Type B). Identifiers: Orphanet 79270, MedGen C0086648, MONDO:0009656, OMIM 252920.

Allele frequency attached by ClinVar (database versions not stated): ExAC 0.00008; gnomAD 0.00009 and 0.00010; ESP Exome Variant Server 0.00023; gnomAD exomes 0.00010; 1000 Genomes Project 30x 0.00016; TOPMed 0.00013.
gnomAD v4.1: 185 of 1,598,038 alleles (0.012%); highest among the groups gnomAD compares: Middle Eastern, 0.18%; no homozygotes.

Submissions (7):

Genomic Medicine Center of Excellence, King Faisal Specialist Hospital and Research Centre
Classification: Likely benign for Mucopolysaccharidosis, MPS-III-B. Last evaluated: 2025-09-10. Review status: criteria provided, single submitter. Criteria: ACMG Guidelines, 2015. Collection method: clinical testing. Allele origin: germline.

3billion
Classification: Likely benign for Mucopolysaccharidosis, MPS-III-B. Last evaluated: 2024-09-20. Review status: criteria provided, single submitter. Criteria: ACMG Guidelines, 2015. Collection method: clinical testing. Allele origin: germline. Affected: no.
Comment: The homozygous variant was found in patients diagnosed with another variant in a different gene, with no symptoms related to the gene containing the homozygous variant.

Mayo Clinic Laboratories, Mayo Clinic
Classification: Uncertain significance. Last evaluated: 2024-07-09. Review status: criteria provided, single submitter. Criteria: ACMG Guidelines, 2015. Collection method: clinical testing. Allele origin: germline. Observed: 1 variant allele.
Comment: PS3_supporting

Labcorp Genetics (formerly Invitae), Labcorp
Classification: Uncertain significance for Charcot-Marie-Tooth disease axonal type 2V; Mucopolysaccharidosis, MPS-III-B. Last evaluated: 2022-08-31. Review status: criteria provided, single submitter. Criteria: Invitae Variant Classification Sherloc (09022015). Collection method: clinical testing. Allele origin: germline.
Comment: This sequence change replaces alanine, which is neutral and non-polar, with threonine, which is neutral and polar, at codon 479 of the NAGLU protein (p.Ala479Thr). This variant is present in population databases (rs202115696, gnomAD 0.02%). This variant has not been reported in the literature in individuals affected with NAGLU-related conditions. ClinVar contains an entry for this variant (Variation ID: 1187849). Advanced modeling of protein sequence and biophysical properties (such as structural, functional, and spatial information, amino acid conservation, physicochemical variation, residue mobility, and thermodynamic stability) performed at Invitae indicates that this missense variant is expected to disrupt NAGLU protein function. In summary, the available evidence is currently insufficient to determine the role of this variant in disease. Therefore, it has been classified as a Variant of Uncertain Significance.

GeneDx
Classification: Uncertain significance. Last evaluated: 2020-11-04. Review status: criteria provided, single submitter. Criteria: GeneDx Variant Classification Process June 2021. Collection method: clinical testing. Allele origin: germline. Affected: yes.
Comment: Missense variants in nearby residues reported in the Human Gene Mutation Database in individuals with Sanfilippo syndrome B (Stenson et al., 2014); Has not been previously published as pathogenic or benign to our knowledge; In silico analysis supports that this missense variant does not alter protein structure/function

Breakthrough Genomics
Classification: Uncertain significance. Review status: criteria provided, single submitter. Criteria: ACMG Guidelines, 2015. Collection method: not provided. Allele origin: germline. Inheritance: Autosomal recessive inheritance. Affected: yes.

Natera, Inc.
Classification: Uncertain significance for Mucopolysaccharidosis type IIIB. Last evaluated: 2020-01-18. Review status: no assertion criteria provided. Collection method: clinical testing. Allele origin: germline. Not counted in ClinVar's aggregate classification.

Literature cited by the submitters: PubMed 36648562 (cited by Mayo Clinic Laboratories, Mayo Clinic); PubMed 38274568 (cited by Mayo Clinic Laboratories, Mayo Clinic).

NM_000263.4(NAGLU):c.1435G>A (p.Ala479Thr)

Gene: NAGLU (N-acetyl-alpha-glucosaminidase; plus strand). Cytogenetic location: 17q21.2.
Variant type: single nucleotide variant.
Coding change: c.1435G>A on transcript NM_000263.4 (MANE Select); coding-DNA position 1435, G replaced by A.
Protein change: p.Ala479Thr; replaces alanine 479 with threonine.
Molecular consequence: missense variant.
Genome position (GRCh38, 1-based): chr17:42,543,441, G>A. VCF-style: chr17-42543441-G-A. GRCh37 (hg19) VCF-style: chr17-40695459-G-A.
Other names: p.Ala479Thr; short protein forms A479T.
Identifiers: ClinVar variation 1187849 (VCV001187849.9), dbSNP rs202115696, ClinGen allele CA8577017.